The following is an entry in ClinVar:

NM_031935.3(HMCN1):c.8822A>G (p.Tyr2941Cys)

Gene: HMCN1 (hemicentin 1; plus strand). Cytogenetic location: 1q31.1.
Variant type: single nucleotide variant.
Coding change: c.8822A>G on transcript NM_031935.3 (MANE Select); coding-DNA position 8822, A replaced by G.
Protein change: p.Tyr2941Cys; replaces tyrosine 2941 with cysteine.
Molecular consequence: missense variant.
Genome position (GRCh38, 1-based): chr1:186,082,899, A>G. VCF-style: chr1-186082899-A-G. GRCh37 (hg19) VCF-style: chr1-186052031-A-G.
Other names: short protein forms Y2941C.
Identifiers: ClinVar variation 2000061 (VCV002000061.4), dbSNP rs759802001, ClinGen allele CA1293232.

ClinVar aggregate classification (germline): Uncertain significance (1 of 4 stars; one submission).

Allele frequency attached by ClinVar (database versions not stated): TOPMed below 0.00001; gnomAD 0.00001; ExAC 0.00058.

Submission:

Labcorp Genetics (formerly Invitae), Labcorp
Classification: Uncertain significance. Last evaluated: 2025-06-16. Review status: criteria provided, single submitter. Criteria: Invitae Variant Classification Sherloc (09022015). Collection method: clinical testing. Allele origin: germline.
Comment: This sequence change replaces tyrosine, which is neutral and polar, with cysteine, which is neutral and slightly polar, at codon 2941 of the HMCN1 protein (p.Tyr2941Cys). The frequency data for this variant in the population databases is considered unreliable, as metrics indicate poor data quality at this position in the gnomAD database. This variant has not been reported in the literature in individuals affected with HMCN1-related conditions. ClinVar contains an entry for this variant (Variation ID: 2000061). An algorithm developed to predict the effect of missense changes on protein structure and function (PolyPhen-2) suggests that this variant is likely to be disruptive. In summary, the available evidence is currently insufficient to determine the role of this variant in disease. Therefore, it has been classified as a Variant of Uncertain Significance.